The following is an entry in ClinVar:

NM_018451.5(CPAP):c.444+205G>A

Gene: CPAP (centrosome assembly and centriole elongation protein; minus strand). Cytogenetic location: 13q12.13.
Variant type: single nucleotide variant.
Coding change: c.444+205G>A on transcript NM_018451.5 (MANE Select); 205 bases into the intron after coding-DNA position 444, G replaced by A.
Molecular consequence: intron variant.
Genome position (GRCh38, 1-based): chr13:24,912,377, C>T on the plus strand (G>A on the coding strand, the complement: CPAP is on the minus strand). VCF-style: chr13-24912377-C-T. GRCh37 (hg19) VCF-style: chr13-25486515-C-T.
Identifiers: ClinVar variation 678324 (VCV000678324.1), dbSNP rs2290278, ClinGen allele CA15788227.

ClinVar aggregate classification (germline): Benign (1 of 4 stars; one submission).

Allele frequency attached by ClinVar (database versions not stated): gnomAD 0.84836 and 0.85129; TOPMed 0.85237; 1000 Genomes Project 0.86142; 1000 Genomes Project 30x 0.86352.
gnomAD v4.1: 129,441 of 152,264 alleles (85%); highest among the groups gnomAD compares: East Asian, 90%; 55,106 homozygotes.

Submission:

GeneDx
Classification: Benign. Last evaluated: 2018-06-16. Review status: criteria provided, single submitter. Criteria: GeneDx Variant Classification (06012015). Collection method: clinical testing. Allele origin: germline. Affected: yes.
Comment: This variant is considered likely benign or benign based on one or more of the following criteria: it is a conservative change, it occurs at a poorly conserved position in the protein, it is predicted to be benign by multiple in silico algorithms, and/or has population frequency not consistent with disease.